The following is an entry in ClinVar:

ClinVar aggregate classification (germline): Uncertain significance. Review status: criteria provided, multiple submitters, no conflicts (2 of 4 stars). 2 submissions from 2 submitters: Uncertain significance (2). Last evaluated 2022-08-21.

Allele frequency attached by ClinVar (database versions not stated): gnomAD exomes 0.00002; ExAC 0.00004; TOPMed 0.00016; gnomAD 0.00018 and 0.00019.
gnomAD v4.1: 57 of 1,613,142 alleles (0.0035%); highest among the groups gnomAD compares: African/African-American, 0.064%; no homozygotes.

Submissions (2):

Labcorp Genetics (formerly Invitae), Labcorp
Classification: Uncertain significance. Last evaluated: 2022-08-21. Review status: criteria provided, single submitter. Criteria: Invitae Variant Classification Sherloc (09022015). Collection method: clinical testing. Allele origin: germline.
Comment: This sequence change replaces proline, which is neutral and non-polar, with leucine, which is neutral and non-polar, at codon 537 of the RUSC2 protein (p.Pro537Leu). This variant is present in population databases (rs774902612, gnomAD 0.06%). This variant has not been reported in the literature in individuals affected with RUSC2-related conditions. ClinVar contains an entry for this variant (Variation ID: 1468093). Algorithms developed to predict the effect of missense changes on protein structure and function are either unavailable or do not agree on the potential impact of this missense change (SIFT: "Deleterious"; PolyPhen-2: "Benign"; Align-GVGD: "Class C0"). In summary, the available evidence is currently insufficient to determine the role of this variant in disease. Therefore, it has been classified as a Variant of Uncertain Significance.

Breakthrough Genomics
Classification: Uncertain significance. Review status: criteria provided, single submitter. Criteria: ACMG Guidelines, 2015. Collection method: not provided. Allele origin: germline. Inheritance: Autosomal recessive inheritance. Affected: yes.

NM_014806.5(RUSC2):c.1610C>T (p.Pro537Leu)

Gene: RUSC2 (RUN and SH3 domain containing 2; plus strand). Cytogenetic location: 9p13.3.
Variant type: single nucleotide variant.
Coding change: c.1610C>T on transcript NM_014806.5 (MANE Select); coding-DNA position 1610, C replaced by T.
Protein change: p.Pro537Leu; replaces proline 537 with leucine.
Molecular consequence: missense variant. On other transcripts: non-coding transcript variant (1), intron variant (1).
Genome position (GRCh38, 1-based): chr9:35,548,131, C>T. VCF-style: chr9-35548131-C-T. GRCh37 (hg19) VCF-style: chr9-35548128-C-T.
Other names: c.1610C>T, p.Pro537Leu (NM_001135999.2); c.-620-6929C>T (NM_001330740.2); short protein forms P537L.
Identifiers: ClinVar variation 1468093 (VCV001468093.6), dbSNP rs774902612, ClinGen allele CA5043690.